The following is an entry in ClinVar:

NC_000009.12:g.105639656_105639657ins[QB150380.1:g.1_3072]

Gene: FKTN (fukutin; plus strand).
Variant type: Insertion.
Other names: NM_006731.2:c.*4392_*4393ins[QB150380.1:g.1_3072] | 3-KB INS, SVA RETROTRANSPOSON INS.
Identifiers: ClinVar variation 5043552 (VCV005043552.1).

ClinVar aggregate classification (germline): Pathogenic (1 of 4 stars; one submission).

Conditions:
Muscular dystrophy-dystroglycanopathy (congenital with brain and eye anomalies), type A, 4 (MDDGA4). Also called: Muscular dystrophy, congenital progressive, with mental retardation; Muscular dystrophy, congenital, with central nervous system involvement; Cerebromuscular dystrophy, Fukuyama type; Fukuyama congenital muscular dystrophy; WALKER-WARBURG SYNDROME OR MUSCLE-EYE-BRAIN DISEASE, FKTN-RELATED; Congenital muscular dystrophy-dystroglycanopathy with brain and eye anomalies, type A4. Identifiers: Orphanet 272, Orphanet 588, Orphanet 899, MedGen C0410174, MONDO:0009678, OMIM 253800.

Submission:

Systems Biology Laboratory, Department of Convergent Bioscience and Informatics, Chungnam National University
Classification: Pathogenic for Muscular dystrophy-dystroglycanopathy (congenital with brain and eye anomalies), type A, 4. Last evaluated: 2026-10-01. Review status: criteria provided, single submitter. Criteria: ACMG Guidelines, 2015. Collection method: research. Allele origin: biparental. Inheritance: Autosomal recessive inheritance. Affected: yes. Observed: 1 variant allele, 1 homozygote.
Comment: PS3 (SVA insertion causes pathogenic exon trapping and aberrant fukutin; rescued by antisense oligonucleotides in patient cells and model mice, PMID:21979053; 4 points) + PM3_VeryStrong (FCMD founder insertion observed in homozygosity and in compound heterozygosity with other pathogenic FKTN variants in numerous patients, PMID:9690476; PMID:10545611; 8 points) = 12 points. The inserted 3,072-bp sequence corresponds to the FCMD founder SVA insertion (the full 3,072-bp inserted sequence is deposited as GenBank QB150380.1; 99.4% sequence identity to AB185332.1). PM2_Supporting not applied: no insertion is recorded at this site in gnomAD-SV v4, but the founder allele is a known carrier allele in Japanese (1/188) and Korean (1/935) populations (PMID:16222679).

Literature cited by the submitters: PubMed 9690476; PubMed 10545611; PubMed 21979053; PubMed 16222679.